The following is an entry in ClinVar:

ClinVar aggregate classification (germline): Uncertain significance (1 of 4 stars; one submission).

Conditions:
Hypertrophic cardiomyopathy. Also called: HYPERTROPHIC MYOCARDIOPATHY. Identifiers: Orphanet 217569, MedGen C0007194, MeSH D002312, MONDO:0005045, HP:0001639.

Allele frequency attached by ClinVar (database versions not stated): gnomAD exomes below 0.00001 and 0.00001; ExAC 0.00002.
gnomAD v4.1: 5 of 1,613,656 alleles (0.00031%); highest among the groups gnomAD compares: Middle Eastern, 0.016%; no homozygotes.

Submission:

Labcorp Genetics (formerly Invitae), Labcorp
Classification: Uncertain significance for Hypertrophic cardiomyopathy. Last evaluated: 2022-07-26. Review status: criteria provided, single submitter. Criteria: Invitae Variant Classification Sherloc (09022015). Collection method: clinical testing. Allele origin: germline.
Comment: This variant is present in population databases (rs749245252, gnomAD 0.002%). This sequence change replaces arginine, which is basic and polar, with cysteine, which is neutral and slightly polar, at codon 353 of the JPH2 protein (p.Arg353Cys). This variant has not been reported in the literature in individuals affected with JPH2-related conditions. In summary, the available evidence is currently insufficient to determine the role of this variant in disease. Therefore, it has been classified as a Variant of Uncertain Significance. Algorithms developed to predict the effect of missense changes on protein structure and function (SIFT, PolyPhen-2, Align-GVGD) all suggest that this variant is likely to be disruptive. ClinVar contains an entry for this variant (Variation ID: 1025941).

NM_020433.5(JPH2):c.1057C>T (p.Arg353Cys)

Gene: JPH2 (junctophilin 2; minus strand). Cytogenetic location: 20q13.12.
Variant type: single nucleotide variant.
Coding change: c.1057C>T on transcript NM_020433.5 (MANE Select); coding-DNA position 1057, C replaced by T.
Protein change: p.Arg353Cys; replaces arginine 353 with cysteine.
Molecular consequence: missense variant.
Genome position (GRCh38, 1-based): chr20:44,159,730, G>A on the plus strand (C>T on the coding strand, the complement: JPH2 is on the minus strand). VCF-style: chr20-44159730-G-A. GRCh37 (hg19) VCF-style: chr20-42788370-G-A.
Other names: short protein forms R353C.
Identifiers: ClinVar variation 1025941 (VCV001025941.8), dbSNP rs749245252, ClinGen allele CA9868760.